The following is an entry in ClinVar:

ClinVar aggregate classification (germline): Likely benign (1 of 4 stars; one submission).

Allele frequency attached by ClinVar (database versions not stated): gnomAD exomes 0.00008 and 0.00039; gnomAD 0.00030 and 0.00031; ESP Exome Variant Server 0.00024; ExAC 0.00007; 1000 Genomes Project 30x 0.00062; TOPMed 0.00029.

Submission:

GeneDx
Classification: Likely benign. Last evaluated: 2018-04-12. Review status: criteria provided, single submitter. Criteria: GeneDx Variant Classification (06012015). Collection method: clinical testing. Allele origin: germline. Affected: yes.
Comment: This variant is considered likely benign or benign based on one or more of the following criteria: it is a conservative change, it occurs at a poorly conserved position in the protein, it is predicted to be benign by multiple in silico algorithms, and/or has population frequency not consistent with disease.

NM_000106.6(CYP2D6):c.137dup (p.Leu47fs)

Gene: CYP2D6 (cytochrome P450 family 2 subfamily D member 6 (gene/pseudogene); minus strand). Cytogenetic location: 22q13.2.
Variant type: Duplication.
Coding change: c.137dup on transcript NM_000106.6 (MANE Select); coding-DNA position 137, one base duplicated (T; older notation c.137dupT).
Protein change: p.Leu47fs; shifts the reading frame from leucine 47.
Molecular consequence: frameshift variant.
Genome position (GRCh38, 1-based): chr22:42,130,655, A duplicated on the plus strand (T on the coding strand, the reverse complement: CYP2D6 is on the minus strand). VCF-style (leftmost placement, unchanged base first): chr22-42130654-C-CA. GRCh37 (hg19) VCF-style: chr22-42526656-C-CA.
Other names: c.137dup, p.Leu47fs (NM_001025161.3); c.137_138insT (NM_000106.5); short protein forms L47fs.
Identifiers: ClinVar variation 678343 (VCV000678343.1), dbSNP rs774671100, ClinGen allele CA10265349.
Genomic context (GRCh38, chr22:42,130,654, plus strand): 5'-CAGGACCTCCTCCCTCACCTGGTCGAAGCAGTATGGTGTGTTCTGGAAGTCCACATGCAG[C>CA]AGGTTGCCCAGCCCGGGCAGTGGCAGGGGGCCTGGTGGGTAGCGTGCAGCCCAGCGTTGG-3'